The following is an entry in ClinVar:

ClinVar aggregate classification (germline): Uncertain significance. Review status: criteria provided, multiple submitters, no conflicts (2 of 4 stars). 2 submissions from 2 submitters: Uncertain significance (2). Last evaluated 2024-06-10.

Conditions:
Inborn genetic diseases. Identifiers: MedGen C0950123, MeSH D030342.

Allele frequency attached by ClinVar (database versions not stated): TOPMed below 0.00001; gnomAD exomes 0.00001.
gnomAD v4.1: 3 of 1,614,150 alleles (0.00019%); highest among the groups gnomAD compares: South Asian, 0.0022%; no homozygotes.

Submissions (2):

Ambry Genetics
Classification: Uncertain significance for Inborn genetic diseases. Last evaluated: 2024-06-10. Review status: criteria provided, single submitter. Criteria: Ambry Variant Classification Scheme 2023. Collection method: clinical testing. Allele origin: germline.

Labcorp Genetics (formerly Invitae), Labcorp
Classification: Uncertain significance. Last evaluated: 2022-08-09. Review status: criteria provided, single submitter. Criteria: Invitae Variant Classification Sherloc (09022015). Collection method: clinical testing. Allele origin: germline.
Comment: This sequence change replaces glutamine, which is neutral and polar, with arginine, which is basic and polar, at codon 160 of the ADAMTS17 protein (p.Gln160Arg). This variant is present in population databases (no rsID available, gnomAD 0.003%). This variant has not been reported in the literature in individuals affected with ADAMTS17-related conditions. Algorithms developed to predict the effect of missense changes on protein structure and function are either unavailable or do not agree on the potential impact of this missense change (SIFT: "Not Available"; PolyPhen-2: "Benign"; Align-GVGD: "Not Available"). In summary, the available evidence is currently insufficient to determine the role of this variant in disease. Therefore, it has been classified as a Variant of Uncertain Significance.

NM_139057.4(ADAMTS17):c.479A>G (p.Gln160Arg)

Gene: ADAMTS17 (ADAM metallopeptidase with thrombospondin type 1 motif 17; minus strand). Cytogenetic location: 15q26.3.
Variant type: single nucleotide variant.
Coding change: c.479A>G on transcript NM_139057.4 (MANE Select); coding-DNA position 479, A replaced by G.
Protein change: p.Gln160Arg; replaces glutamine 160 with arginine.
Molecular consequence: missense variant.
Genome position (GRCh38, 1-based): chr15:100,331,026, T>C on the plus strand (A>G on the coding strand, the complement: ADAMTS17 is on the minus strand). VCF-style: chr15-100331026-T-C. GRCh37 (hg19) VCF-style: chr15-100871231-T-C.
Other names: c.479A>G (NM_139057.2); short protein forms Q160R.
Identifiers: ClinVar variation 2058804 (VCV002058804.2), dbSNP rs1302181426, ClinGen allele CA394521717.
Genomic context (GRCh38, chr15:100,331,026, plus strand): 5'-ATCAGATGTTCTCGTCCACTGAATGGGCCCTGGGAGTTGTTGAGGGGCTGGATTAGCACC[T>C]GCTCCTGCCCAAGCTGAATGAGGCCAACCTGTCCAGAAAGGAGAAGGAAACGCGATGTCG-3'
Protein context (NP_620688.2, residues 150-170): LVGLIQLGQE[Gln160Arg]VLIQPLNNSQ